The following is an entry in ClinVar:

NM_016592.5(GNAS):c.716C>T (p.Pro239Leu)

Genes: GNAS (GNAS complex locus; plus strand), GNAS-AS1 (GNAS antisense RNA 1; minus strand). Cytogenetic location: 20q13.32.
Variant type: single nucleotide variant.
Coding change: c.716C>T on transcript NM_016592.5 (MANE Plus Clinical); coding-DNA position 716, C replaced by T.
Protein change: p.Pro239Leu; replaces proline 239 with leucine.
Molecular consequence: missense variant. On other transcripts: 5 prime UTR variant (1).
Genome position (GRCh38, 1-based): chr20:58,840,822, C>T. VCF-style: chr20-58840822-C-T. GRCh37 (hg19) VCF-style: chr20-57415877-C-T.
Other names: c.-22C>T (NM_001410912.1); short protein forms P239L.
Identifiers: ClinVar variation 4999108 (VCV004999108.1).

ClinVar aggregate classification (germline): Uncertain significance (1 of 4 stars; one submission).

Conditions:
GNAS-related disorder. Identifiers: MedGen CN380105.

gnomAD v4.1: 2 of 1,612,688 alleles (0.00012%); highest among the groups gnomAD compares: Admixed American, 0.0017%; no homozygotes.

Submission:

PreventionGenetics, part of Exact Sciences
Classification: Uncertain significance for GNAS-related condition. Last evaluated: 2025-04-10. Review status: criteria provided, single submitter. Criteria: ACMG Guidelines, 2015. Collection method: clinical testing. Allele origin: germline.
Comment: The GNAS c.716C>T variant is predicted to result in the amino acid substitution p.Pro239Leu. In a more commonly reported transcript, this variant is located in the pre-coding region, NM_000516:c.-50905C>T (Pre-Coding). To our knowledge, this variant has not been reported in the literature or in a large population database (gnomAD), indicating this variant is rare. At this time, the clinical significance of this variant is uncertain due to the absence of conclusive functional and genetic evidence.